The following is an entry in ClinVar:

ClinVar aggregate classification (germline): Pathogenic. Review status: criteria provided, multiple submitters, no conflicts (2 of 4 stars). 3 submissions from 3 submitters: Pathogenic (3). Last evaluated 2022-05-09.

Conditions:
Autosomal recessive limb-girdle muscular dystrophy type 2A (LGMDR1). Also called: Calpainopathy; MUSCULAR DYSTROPHY, PELVOFEMORAL; Limb-girdle muscular dystrophy, type 2A; Muscular dystrophy, limb-girdle, type 2A, Amish; LEYDEN-MOEBIUS MUSCULAR DYSTROPHY. Identifiers: Orphanet 267, MedGen C1869123, MONDO:0009675, OMIM 253600. Disease mechanism: loss of function.

Allele frequency attached by ClinVar (database versions not stated): gnomAD exomes below 0.00001 and 0.00002; ExAC 0.00001.

Submissions (3):

Labcorp Genetics (formerly Invitae), Labcorp
Classification: Pathogenic for Autosomal recessive limb-girdle muscular dystrophy type 2A. Last evaluated: 2022-05-09. Review status: criteria provided, single submitter. Criteria: Invitae Variant Classification Sherloc (09022015). Collection method: clinical testing. Allele origin: germline.
Comment: For these reasons, this variant has been classified as Pathogenic. ClinVar contains an entry for this variant (Variation ID: 285684). This variant has not been reported in the literature in individuals affected with CAPN3-related conditions. This variant is present in population databases (rs760205277, gnomAD 0.0009%). This sequence change creates a premature translational stop signal (p.Glu79Aspfs*48) in the CAPN3 gene. It is expected to result in an absent or disrupted protein product. Loss-of-function variants in CAPN3 are known to be pathogenic (PMID: 10330340, 15689361).

Victorian Clinical Genetics Services, Murdoch Childrens Research Institute
Classification: Pathogenic for Autosomal recessive limb-girdle muscular dystrophy type 2A. Last evaluated: 2021-05-06. Review status: criteria provided, single submitter. Criteria: ACMG Guidelines, 2015. Collection method: clinical testing. Allele origin: germline. Affected: yes.
Comment: Based on the classification scheme VCGS_Germline_v1.3.3, this variant is classified as Pathogenic. Following criteria are met: 0102 - Loss of function is a known mechanism of disease in this gene and is associated with autosomal recessive CAPN3-related muscular dystrophy. A dominant-negative mechanism has also been suggested for autosomal dominant CAPN3-related muscular dystrophy (PMID: 32342993). (I) 0108 - This gene is associated with both recessive and dominant disease. Loss of function variants are usually inherited in a recessive manner, resulting in a severe phenotype however, a number of in-frame deletions and missense variants have more recently been described to result in a milder, later-onset calpainopathy phenotype with autosomal dominant inheritance (PMIDs: 32557990, 32342993). (I) 0115 - Variants in this gene are known to have variable expressivity. Some heterozygous carriers only present with isolated hyperCKaemia (PMID: 32557990). (I) 0201 - Variant is predicted to cause nonsense-mediated decay (NMD) and loss of protein (premature termination codon is located at least 54 nucleotides upstream of the final exon-exon junction). (SP) 0251 - This variant is heterozygous. (I) 0304 - Variant is present in gnomAD (v2) <0.01 for a recessive condition (1 heterozygote, 0 homozygotes). (SP) 0701 - Other NMD-predicted variants comparable to the one identified in this case have very strong previous evidence for pathogenicity. Many other loss of function variants have previously been reported as pathogenic in patients with autosomal recessive CAPN3-related muscular dystrophy (MIM#253600) (ClinVar). (SP) 0803 - This variant has limited previous evidence of pathogenicity in an unrelated individual. The variant has previously been classified as pathogenic however, it has not been described in any patients in the literature (ClinVar). (SP) 0905 - No published segregation evidence has been identified for this variant. (I) 1007 - No published functional evidence has been identified for this variant. (I) Legend: (SP) - Supporting pathogenic, (I) - Information, (SB) - Supporting benign

Eurofins Ntd Llc (ga)
Classification: Pathogenic. Last evaluated: 2016-01-14. Review status: criteria provided, single submitter. Criteria: EGL Classification Definitions 2015. Collection method: clinical testing. Allele origin: germline. Observed: 1 variant allele, 1 heterozygote.

Literature cited by the submitters: PubMed 10330340 (cited by Labcorp Genetics (formerly Invitae), Labcorp); PubMed 15689361 (cited by Labcorp Genetics (formerly Invitae), Labcorp); PubMed 32342993 (cited by Victorian Clinical Genetics Services, Murdoch Childrens Research Institute); PubMed 32557990 (cited by Victorian Clinical Genetics Services, Murdoch Childrens Research Institute).

NM_000070.3(CAPN3):c.237del (p.Glu79fs)

Gene: CAPN3 (calpain 3; plus strand). Cytogenetic location: 15q15.1.
Variant type: Deletion.
Coding change: c.237del on transcript NM_000070.3 (MANE Select); coding-DNA position 237, one base deleted (G; older notation c.237delG).
Protein change: p.Glu79fs; shifts the reading frame from glutamic acid 79.
Molecular consequence: frameshift variant.
Genome position (GRCh38, 1-based): chr15:42,360,042, G deleted. VCF-style (leftmost placement, unchanged base first): chr15-42360041-AG-A. GRCh37 (hg19) VCF-style: chr15-42652239-AG-A.
Other names: c.237delG (NM_000070.2); c.237del, p.Glu79fs (NM_024344.2, NM_173087.2); short protein forms E79fs.
Identifiers: ClinVar variation 285684 (VCV000285684.10), dbSNP rs760205277, ClinGen allele CA7510876.